The following is an entry in ClinVar:

NM_000059.4(BRCA2):c.547A>G (p.Ser183Gly)

Gene: BRCA2 (BRCA2 DNA repair associated; plus strand). Cytogenetic location: 13q13.1.
Variant type: single nucleotide variant.
Coding change: c.547A>G on transcript NM_000059.4 (MANE Select); coding-DNA position 547, A replaced by G.
Protein change: p.Ser183Gly; replaces serine 183 with glycine.
Molecular consequence: missense variant.
Genome position (GRCh38, 1-based): chr13:32,326,529, A>G. VCF-style: chr13-32326529-A-G. GRCh37 (hg19) VCF-style: chr13-32900666-A-G.
Other names: short protein forms S183G.
Identifiers: ClinVar variation 1062313 (VCV001062313.9), dbSNP rs2137452201, ClinGen allele CA387757881.

ClinVar aggregate classification (germline): Uncertain significance (1 of 4 stars; one submission).

Conditions:
Hereditary breast ovarian cancer syndrome. Also called: Hereditary breast and ovarian cancer syndrome (HBOC); Breast and ovarian cancer; Hereditary breast and/or ovarian cancer syndrome; BRCA1- and BRCA2-Associated Hereditary Breast and Ovarian Cancer; Hereditary breast and ovarian cancer syndrome; Hereditary breast and ovarian cancer. Identifiers: Orphanet 145, MedGen C0677776, MeSH D061325, MONDO:0003582. Disease mechanism: loss of function.

Submission:

Labcorp Genetics (formerly Invitae), Labcorp
Classification: Uncertain significance for Hereditary breast ovarian cancer syndrome. Last evaluated: 2024-05-22. Review status: criteria provided, single submitter. Criteria: Invitae Variant Classification Sherloc (09022015). Collection method: clinical testing. Allele origin: germline.
Comment: This sequence change replaces serine, which is neutral and polar, with glycine, which is neutral and non-polar, at codon 183 of the BRCA2 protein (p.Ser183Gly). This variant is not present in population databases (gnomAD no frequency). This variant has not been reported in the literature in individuals affected with BRCA2-related conditions. ClinVar contains an entry for this variant (Variation ID: 1062313). Advanced modeling of protein sequence and biophysical properties (such as structural, functional, and spatial information, amino acid conservation, physicochemical variation, residue mobility, and thermodynamic stability) performed at Invitae indicates that this missense variant is not expected to disrupt BRCA2 protein function with a negative predictive value of 95%. In summary, the available evidence is currently insufficient to determine the role of this variant in disease. Therefore, it has been classified as a Variant of Uncertain Significance.